The following is an entry in ClinVar:

ClinVar aggregate classification (germline): Uncertain significance (1 of 4 stars; one submission).

Submission:

GeneDx
Classification: Uncertain significance. Last evaluated: 2026-03-20. Review status: criteria provided, single submitter. Criteria: GeneDx Variant Classification Process June 2021. Collection method: clinical testing. Allele origin: germline.
Comment: Not observed at significant frequency in large population cohorts (gnomAD); In silico analysis supports that this missense variant has a deleterious effect on protein structure/function; Has not been previously published as pathogenic or benign to our knowledge

NM_001162501.2(TNRC6B):c.5078A>C (p.Lys1693Thr)

Gene: TNRC6B (trinucleotide repeat containing adaptor 6B; plus strand). Cytogenetic location: 22q13.1.
Variant type: single nucleotide variant.
Coding change: c.5078A>C on transcript NM_001162501.2 (MANE Select); coding-DNA position 5078, A replaced by C.
Protein change: p.Lys1693Thr; replaces lysine 1693 with threonine.
Molecular consequence: missense variant.
Genome position (GRCh38, 1-based): chr22:40,321,193, A>C. VCF-style: chr22-40321193-A-C. GRCh37 (hg19) VCF-style: chr22-40717197-A-C.
Other names: c.2666A>C, p.Lys889Thr (NM_001024843.2); c.4748A>C, p.Lys1583Thr (NM_015088.3); short protein forms K1583T, K1693T, K889T.
Identifiers: ClinVar variation 5009576 (VCV005009576.1).